The following is an entry in ClinVar:

ClinVar aggregate classification (germline): Uncertain significance (1 of 4 stars; one submission).

Conditions:
Catecholaminergic polymorphic ventricular tachycardia 1. Also called: VENTRICULAR TACHYCARDIA, STRESS-INDUCED POLYMORPHIC 1; VENTRICULAR TACHYCARDIA, CATECHOLAMINERGIC POLYMORPHIC, 1, WITH OR WITHOUT ATRIAL DYSFUNCTION AND/OR DILATED CARDIOMYOPATHY; RYR2-Related Catecholaminergic Polymorphic Ventricular Tachycardia. Identifiers: Orphanet 3286, MedGen C1631597, MONDO:0011484, OMIM 604772.

Submission:

Labcorp Genetics (formerly Invitae), Labcorp
Classification: Uncertain significance for Catecholaminergic polymorphic ventricular tachycardia 1. Last evaluated: 2022-04-01. Review status: criteria provided, single submitter. Criteria: Invitae Variant Classification Sherloc (09022015). Collection method: clinical testing. Allele origin: germline.
Comment: In summary, the available evidence is currently insufficient to determine the role of this variant in disease. Therefore, it has been classified as a Variant of Uncertain Significance. Algorithms developed to predict the effect of missense changes on protein structure and function are either unavailable or do not agree on the potential impact of this missense change (SIFT: "Deleterious"; PolyPhen-2: "Benign"; Align-GVGD: "Class C65"). This variant has not been reported in the literature in individuals affected with RYR2-related conditions. This variant is not present in population databases (gnomAD no frequency). This sequence change replaces isoleucine, which is neutral and non-polar, with asparagine, which is neutral and polar, at codon 2770 of the RYR2 protein (p.Ile2770Asn).

NM_001035.3(RYR2):c.8309T>A (p.Ile2770Asn)

Gene: RYR2 (ryanodine receptor 2; plus strand). Cytogenetic location: 1q43.
Variant type: single nucleotide variant.
Coding change: c.8309T>A on transcript NM_001035.3 (MANE Select); coding-DNA position 8309, T replaced by A.
Protein change: p.Ile2770Asn; replaces isoleucine 2770 with asparagine.
Molecular consequence: missense variant.
Genome position (GRCh38, 1-based): chr1:237,660,820, T>A. VCF-style: chr1-237660820-T-A. GRCh37 (hg19) VCF-style: chr1-237824120-T-A.
Other names: short protein forms I2770N.
Identifiers: ClinVar variation 2054903 (VCV002054903.4), dbSNP rs397516550, ClinGen allele CA345401749.